The following is an entry in ClinVar:

NM_004444.5(EPHB4):c.53-2A>T

Gene: EPHB4 (EPH receptor B4; minus strand). Cytogenetic location: 7q22.1.
Variant type: single nucleotide variant.
Coding change: c.53-2A>T on transcript NM_004444.5 (MANE Select); the canonical splice acceptor site of the intron before coding-DNA position 53, A replaced by T.
Molecular consequence: splice acceptor variant.
Genome position (GRCh38, 1-based): chr7:100,824,275, T>A on the plus strand (A>T on the coding strand, the complement: EPHB4 is on the minus strand). VCF-style: chr7-100824275-T-A. GRCh37 (hg19) VCF-style: chr7-100421897-T-A.
Identifiers: ClinVar variation 3600451 (VCV003600451.1).

ClinVar aggregate classification (germline): Likely pathogenic (1 of 4 stars; one submission).

Conditions:
Lymphatic malformation 7 (LMPHM7). Also called: Hydrops fetalis, nonimmune, and/or atrial septal defect, susceptibility to. Identifiers: MedGen C4310629, MONDO:0015009, OMIM 617300.

Submission:

Clinical Genomics Laboratory, Washington University in St. Louis
Classification: Likely pathogenic for Lymphatic malformation 7. Last evaluated: 2024-07-29. Review status: criteria provided, single submitter. Criteria: ACMG Guidelines, 2015. Collection method: clinical testing. Allele origin: germline. Affected: yes.
Comment: The EPHB4 c.53-2A>T variant was identified at a near heterozygous allelic fraction of 48.2%, a frequency which may be consistent with it being of germline origin. This variant, to our knowledge, has not been reported in the medical literature and is absent from the general population database (gnomAD v4.1.0), indicating it is not a common variant. This variant occurs within the canonical splice acceptor site, which is predicted to result in aberrant splicing. Based on available information and the ACMG/AMP guidelines for variant interpretation (Richards S et al., PMID: 25741868), the EPHB4 c.53-2A>T variant is classified as likely pathogenic.